The following is an entry in ClinVar:

NM_004380.3(CREBBP):c.3199A>G (p.Ser1067Gly)

Gene: CREBBP (CREB binding protein; minus strand). Cytogenetic location: 16p13.3.
Variant type: single nucleotide variant.
Coding change: c.3199A>G on transcript NM_004380.3 (MANE Select); coding-DNA position 3199, A replaced by G.
Protein change: p.Ser1067Gly; replaces serine 1067 with glycine.
Molecular consequence: missense variant.
Genome position (GRCh38, 1-based): chr16:3,767,771, T>C on the plus strand (A>G on the coding strand, the complement: CREBBP is on the minus strand). VCF-style: chr16-3767771-T-C. GRCh37 (hg19) VCF-style: chr16-3817772-T-C.
Other names: c.3085A>G, p.Ser1029Gly (NM_001079846.1); short protein forms S1067G, S1029G.
Identifiers: ClinVar variation 133927 (VCV000133927.1), dbSNP rs587778210, ClinGen allele CA158174.
Genomic context (GRCh38, chr16:3,767,771, plus strand): 5'-ATGGCCTACTTTTTTTGCGCGGCTGCGAAGGAGATGTTGACTGAGAGGCTGTGCCGTTAC[T>C]GCTACTCTCTTCTTCCTCTTTAACTTCTACTTTCACTTCAGGTTTCTTTTCATCCACTTC-3'
Protein context (NP_004371.2, residues 1057-1077): VEVKEEEESS[Ser1067Gly]NGTASQSTSP

ClinVar aggregate classification (germline): not provided (0 of 4 stars; one submission).

Allele frequency attached by ClinVar (database versions not stated): gnomAD exomes below 0.00001.
gnomAD v4.1: 1 of 1,614,262 alleles (0.000062%); no homozygotes.

Submission:

ITMI
No classification provided. Condition: AllHighlyPenetrant. Last evaluated: 2013-09-19. Review status: no classification provided. Collection method: reference population. Allele origin: germline.
Comment: Please see associated publication for description of ethnicities

Literature cited by the submitters: PubMed 24728327.